The following is an entry in ClinVar:

ClinVar aggregate classification (germline): Uncertain significance. Review status: criteria provided, multiple submitters, no conflicts (2 of 4 stars). 2 submissions from 2 submitters: Uncertain significance (2). Last evaluated 2025-01-27.

Conditions:
Inborn genetic diseases. Identifiers: MedGen C0950123, MeSH D030342.

Allele frequency attached by ClinVar (database versions not stated): gnomAD exomes below 0.00001; TOPMed below 0.00001; gnomAD 0.00001.

Submissions (2):

Ambry Genetics
Classification: Uncertain significance for Inborn genetic diseases. Last evaluated: 2025-01-27. Review status: criteria provided, single submitter. Criteria: Ambry Variant Classification Scheme 2023. Collection method: clinical testing. Allele origin: germline.
Comment: The p.Q839K variant (also known as c.2515C>A), located in coding exon 1 of the SAMD9 gene, results from a C to A substitution at nucleotide position 2515. The glutamine at codon 839 is replaced by lysine, an amino acid with similar properties. This amino acid position is conserved. In addition, this alteration is predicted to be tolerated by in silico analysis. Based on the available evidence, the clinical significance of this variant remains unclear.

Labcorp Genetics (formerly Invitae), Labcorp
Classification: Uncertain significance. Last evaluated: 2022-05-19. Review status: criteria provided, single submitter. Criteria: Invitae Variant Classification Sherloc (09022015). Collection method: clinical testing. Allele origin: germline.
Comment: This sequence change replaces glutamine, which is neutral and polar, with lysine, which is basic and polar, at codon 839 of the SAMD9 protein (p.Gln839Lys). This variant is present in population databases (no rsID available, gnomAD 0.0009%). This variant has not been reported in the literature in individuals affected with SAMD9-related conditions. Algorithms developed to predict the effect of missense changes on protein structure and function are either unavailable or do not agree on the potential impact of this missense change (SIFT: "Deleterious"; PolyPhen-2: "Probably Damaging"; Align-GVGD: "Class C0"). In summary, the available evidence is currently insufficient to determine the role of this variant in disease. Therefore, it has been classified as a Variant of Uncertain Significance.

NM_017654.4(SAMD9):c.2515C>A (p.Gln839Lys)

Gene: SAMD9 (sterile alpha motif domain containing 9; minus strand). Cytogenetic location: 7q21.2.
Variant type: single nucleotide variant.
Coding change: c.2515C>A on transcript NM_017654.4 (MANE Select); coding-DNA position 2515, C replaced by A.
Protein change: p.Gln839Lys; replaces glutamine 839 with lysine.
Molecular consequence: missense variant.
Genome position (GRCh38, 1-based): chr7:93,103,583, G>T on the plus strand (C>A on the coding strand, the complement: SAMD9 is on the minus strand). VCF-style: chr7-93103583-G-T. GRCh37 (hg19) VCF-style: chr7-92732896-G-T.
Other names: c.2515C>A (NM_017654.3); c.2515C>A, p.Gln839Lys (NM_001193307.2); short protein forms Q839K.
Identifiers: ClinVar variation 1996622 (VCV001996622.5), dbSNP rs1298844045, ClinGen allele CA368190317.